The following is an entry in ClinVar:

ClinVar aggregate classification (germline): Uncertain significance (1 of 4 stars; one submission).

Conditions:
Inborn genetic diseases. Identifiers: MedGen C0950123, MeSH D030342.

gnomAD v4.1: 7 of 1,524,452 alleles (0.00046%); highest among the groups gnomAD compares: African/African-American, 0.0014%; no homozygotes.

Submission:

Ambry Genetics
Classification: Uncertain significance for Inborn genetic diseases. Last evaluated: 2025-07-31. Review status: criteria provided, single submitter. Criteria: Ambry Variant Classification Scheme 2023. Collection method: clinical testing. Allele origin: germline.
Comment: The p.S64L variant (also known as c.191C>T), located in coding exon 1 of the SH2B3 gene, results from a C to T substitution at nucleotide position 191. The serine at codon 64 is replaced by leucine, an amino acid with dissimilar properties. This amino acid position is conserved. In addition, the in silico prediction for this alteration is inconclusive. Based on the available evidence, the clinical significance of this variant remains unclear.

NM_005475.3(SH2B3):c.191C>T (p.Ser64Leu)

Gene: SH2B3 (SH2B adaptor protein 3; plus strand). Cytogenetic location: 12q24.12.
Variant type: single nucleotide variant.
Coding change: c.191C>T on transcript NM_005475.3 (MANE Select); coding-DNA position 191, C replaced by T.
Protein change: p.Ser64Leu; replaces serine 64 with leucine.
Molecular consequence: missense variant.
Genome position (GRCh38, 1-based): chr12:111,418,336, C>T. VCF-style: chr12-111418336-C-T. GRCh37 (hg19) VCF-style: chr12-111856140-C-T.
Other names: short protein forms S64L.
Identifiers: ClinVar variation 4163970 (VCV004163970.1).
Genomic context (GRCh38, chr12:111,418,336, plus strand): 5'-AGTACTGGCTGTTCGCCCGGGAGCATCCGCAGCACGCGCCGCTGCGCGCCGAGCTGGTGT[C>T]GCTGCAGTTCACCGACCTCTTCCAGCGCTACTTCTGCCGCGAGGTGCGCGACGGACGGGC-3'
Protein context (NP_005466.1, residues 54-74): QHAPLRAELV[Ser64Leu]LQFTDLFQRY